The following is an entry in ClinVar:

ClinVar aggregate classification (germline): Uncertain significance (1 of 4 stars; one submission).

Conditions:
Inborn genetic diseases. Identifiers: MedGen C0950123, MeSH D030342.

Submission:

Ambry Genetics
Classification: Uncertain significance for Inborn genetic diseases. Last evaluated: 2024-08-12. Review status: criteria provided, single submitter. Criteria: Ambry Variant Classification Scheme 2023. Collection method: clinical testing. Allele origin: germline.
Comment: The p.A2348V variant (also known as c.7043C>T), located in coding exon 48 of the LRRK2 gene, results from a C to T substitution at nucleotide position 7043. The alanine at codon 2348 is replaced by valine, an amino acid with similar properties. This amino acid position is conserved. In addition, this alteration is predicted to be tolerated by in silico analysis. Based on the available evidence, the clinical significance of this variant remains unclear.

NM_198578.4(LRRK2):c.7043C>T (p.Ala2348Val)

Gene: LRRK2 (leucine rich repeat kinase 2; plus strand). Cytogenetic location: 12q12.
Variant type: single nucleotide variant.
Coding change: c.7043C>T on transcript NM_198578.4 (MANE Select); coding-DNA position 7043, C replaced by T.
Protein change: p.Ala2348Val; replaces alanine 2348 with valine.
Molecular consequence: missense variant.
Genome position (GRCh38, 1-based): chr12:40,363,416, C>T. VCF-style: chr12-40363416-C-T. GRCh37 (hg19) VCF-style: chr12-40757218-C-T.
Other names: short protein forms A2348V.
Identifiers: ClinVar variation 3540533 (VCV003540533.1).